The following is an entry in ClinVar:

NM_000540.3(RYR1):c.568G>A (p.Val190Ile)

Gene: RYR1 (ryanodine receptor 1; plus strand). Cytogenetic location: 19q13.2.
Variant type: single nucleotide variant.
Coding change: c.568G>A on transcript NM_000540.3 (MANE Select); coding-DNA position 568, G replaced by A.
Protein change: p.Val190Ile; replaces valine 190 with isoleucine.
Molecular consequence: missense variant.
Genome position (GRCh38, 1-based): chr19:38,444,614, G>A. VCF-style: chr19-38444614-G-A. GRCh37 (hg19) VCF-style: chr19-38935254-G-A.
Other names: c.568G>A, p.Val190Ile (NM_001042723.2); short protein forms V190I.
Identifiers: ClinVar variation 3072363 (VCV003072363.1), dbSNP rs1972849864, ClinGen allele CA405678329.
Genomic context (GRCh38, chr19:38,444,614, plus strand): 5'-CTCTGACTGCCGCATCCTGGTGGCCCCCAGCACCTGTCGACCGCCAGTGGGGAGCTCCAG[G>A]TTGACGCTTCCTTCATGCAGACACTATGGAACATGAACCCCATCTGCTCCCGCTGCGAAG-3'
Protein context (NP_000531.2, residues 180-200): HLSTASGELQ[Val190Ile]DASFMQTLWN

ClinVar aggregate classification (germline): Uncertain significance (1 of 4 stars; one submission).

Conditions:
Malignant hyperthermia, susceptibility to, 1 (MHS1). Also called: Anesthesia related hyperthermia; Malignant hyperpyrexia; Fulminating hyperpyrexia; Pharmacogenic myopathy; RYR1-Related Malignant Hyperthermia Susceptibility; Malignant hyperthermia suceptibility 1. Identifiers: Orphanet 423, MedGen C2930980, MONDO:0007783, OMIM 145600.

Submission:

All of Us Research Program, National Institutes of Health
Classification: Uncertain significance for Malignant hyperthermia, susceptibility to, 1. Last evaluated: 2023-07-10. Review status: criteria provided, single submitter. Criteria: ACMG Guidelines, 2015. Collection method: clinical testing. Allele origin: germline. Inheritance: Autosomal dominant inheritance. Observed: 1 variant allele, 1 heterozygote.
Comment: This missense variant replaces valine with isoleucine at codon 190 of the RYR1 protein. Computational prediction is inconclusive regarding the impact of this variant on protein structure and function (internally defined REVEL score threshold 0.5 < inconclusive < 0.7, PMID: 27666373). To our knowledge, functional studies have not been reported for this variant. This variant has not been reported in individuals affected with RYR1-related disorders in the literature. This variant has not been identified in the general population by the Genome Aggregation Database (gnomAD). The available evidence is insufficient to determine the role of this variant in disease conclusively. Therefore, this variant is classified as a Variant of Uncertain Significance.

This study involves interpretation of variants in research participants for the purpose of population health screening. Participant phenotype was not available at the time of variant classification. Additional details can be found in publication PMID: 35346344, PMCID: PMC8962531